The following is an entry in ClinVar:

ClinVar aggregate classification (germline): Likely benign. Review status: criteria provided, single submitter (1 of 4 stars). 2 submissions from 2 submitters: Likely benign (1). 1 of the submissions does not count toward it. Last evaluated 2023-02-06.

Conditions:
DNA2-related disorder. Also called: DNA2-related condition.

gnomAD v4.1: 10 of 1,613,676 alleles (0.00062%); highest among the groups gnomAD compares: African/African-American, 0.013%; no homozygotes.

Submissions (2):

Labcorp Genetics (formerly Invitae), Labcorp
Classification: Likely benign. Last evaluated: 2023-02-06. Review status: criteria provided, single submitter. Criteria: Invitae Variant Classification Sherloc (09022015). Collection method: clinical testing. Allele origin: germline.

PreventionGenetics, part of Exact Sciences
Classification: Likely benign for DNA2-related condition. Last evaluated: 2021-08-04. Review status: no assertion criteria provided. Collection method: clinical testing. Allele origin: germline. Not counted in ClinVar's aggregate classification.
Comment: This variant is classified as likely benign based on ACMG/AMP sequence variant interpretation guidelines (Richards et al. 2015 PMID: 25741868, with internal and published modifications).

NM_001080449.3(DNA2):c.147G>T (p.Val49=)

Gene: DNA2 (DNA replication helicase/nuclease 2; minus strand). Cytogenetic location: 10q21.3.
Variant type: single nucleotide variant.
Coding change: c.147G>T on transcript NM_001080449.3 (MANE Select); coding-DNA position 147, G replaced by T.
Protein change: p.Val49=; no amino-acid change (valine 49 retained).
Molecular consequence: synonymous variant. On other transcripts: non-coding transcript variant (1).
Genome position (GRCh38, 1-based): chr10:68,470,091, C>A on the plus strand (G>T on the coding strand, the complement: DNA2 is on the minus strand). VCF-style: chr10-68470091-C-A. GRCh37 (hg19) VCF-style: chr10-70229848-C-A.
Other names: c.147G>T (NM_001080449.2).
Identifiers: ClinVar variation 2986464 (VCV002986464.5), dbSNP rs368283374, ClinGen allele CA5525371.
Genomic context (GRCh38, chr10:68,470,091, plus strand): 5'-AGTGATGACCAGGCGCTTTTCACAGTTTCCCTCTTTGTTCTGTACAGTATTGACTGCCAA[C>A]ACCAGGTACCGGTTATCCATTCCTGTGCTCAGAACTGTTCTTGGAAAGGAAGCTACCACT-3'
Protein context (NP_001073918.2, residues 39-59): LSTGMDNRYL[Val49=]LAVNTVQNKE